The following is an entry in ClinVar:

NM_001845.6(COL4A1):c.2923G>C (p.Gly975Arg)

Gene: COL4A1 (collagen type IV alpha 1 chain; minus strand). Cytogenetic location: 13q34.
Variant type: single nucleotide variant.
Coding change: c.2923G>C on transcript NM_001845.6 (MANE Select); coding-DNA position 2923, G replaced by C.
Protein change: p.Gly975Arg; replaces glycine 975 with arginine.
Molecular consequence: missense variant.
Genome position (GRCh38, 1-based): chr13:110,176,671, C>G on the plus strand (G>C on the coding strand, the complement: COL4A1 is on the minus strand). VCF-style: chr13-110176671-C-G. GRCh37 (hg19) VCF-style: chr13-110829018-C-G.
Other names: short protein forms G975R.
Identifiers: ClinVar variation 2001011 (VCV002001011.4), dbSNP rs2501776344, ClinGen allele CA388666285.
Genomic context (GRCh38, chr13:110,176,671, plus strand): 5'-AGCTCCACACTGTACCTGGCTGCCCAGGCTGTCCTGCCTGCCCGTCCTTTCCAGGCACTC[C>G]TGGGGTCCCAGGGTCTCCTCGGGATCCCTTCTCACCAATTGGTCCAATTTGTCCTACACA-3'
Protein context (NP_001836.3, residues 965-985): KGSRGDPGTP[Gly975Arg]VPGKDGQAGQ

ClinVar aggregate classification (germline): Pathogenic (1 of 4 stars; one submission).

Submission:

Labcorp Genetics (formerly Invitae), Labcorp
Classification: Pathogenic. Last evaluated: 2022-06-25. Review status: criteria provided, single submitter. Criteria: Invitae Variant Classification Sherloc (09022015). Collection method: clinical testing. Allele origin: germline.
Comment: For these reasons, this variant has been classified as Pathogenic. This variant disrupts the triple helix domain of COL4A1. Glycine residues within the Gly-Xaa-Yaa repeats of the triple helix domain are required for the structure and stability of fibrillar collagens (PMID: 7695699, 8218237, 19344236). In COL4A1 variants affecting these glycine residues are significantly enriched in individuals with disease (PMID: 9016532, 17078022) compared to the general population (ExAC). Algorithms developed to predict the effect of missense changes on protein structure and function are either unavailable or do not agree on the potential impact of this missense change (SIFT: "Deleterious"; PolyPhen-2: "Benign"; Align-GVGD: "Class C65"). This missense change has been observed in individual(s) with COL4A1-related conditions (Invitae). In at least one individual the variant was observed to be de novo. This variant is not present in population databases (gnomAD no frequency). This sequence change replaces glycine, which is neutral and non-polar, with arginine, which is basic and polar, at codon 975 of the COL4A1 protein (p.Gly975Arg).

Literature cited by the submitters: PubMed 7695699; PubMed 8218237; PubMed 19344236; PubMed 9016532; PubMed 17078022.